The following is an entry in ClinVar:

NM_000256.3(MYBPC3):c.1224-33G>A

Gene: MYBPC3 (myosin binding protein C3; minus strand). Cytogenetic location: 11p11.2.
Variant type: single nucleotide variant.
Coding change: c.1224-33G>A on transcript NM_000256.3 (MANE Select); 33 bases into the intron before coding-DNA position 1224, G replaced by A.
Molecular consequence: intron variant.
Genome position (GRCh38, 1-based): chr11:47,343,295, C>T on the plus strand (G>A on the coding strand, the complement: MYBPC3 is on the minus strand). VCF-style: chr11-47343295-C-T. GRCh37 (hg19) VCF-style: chr11-47364846-C-T.
Identifiers: ClinVar variation 3376675 (VCV003376675.6).

ClinVar aggregate classification (germline): Conflicting classifications of pathogenicity. Review status: criteria provided, conflicting classifications (1 of 4 stars). 4 submissions from 4 submitters: Pathogenic (1); Likely pathogenic (1); Uncertain significance (1); Likely benign (1). Last evaluated 2026-04-28.

Conditions:
Hypertrophic cardiomyopathy 4. Also called: Familial hypertrophic cardiomyopathy 4. Identifiers: MedGen C1861862, MONDO:0007268, OMIM 115197.

gnomAD v4.1: 12 of 1,537,112 alleles (0.00078%); highest among the groups gnomAD compares: African/African-American, 0.0014%; no homozygotes.

Submissions (4):

Molecular Genetics Laboratory, Motol Hospital
Classification: Pathogenic for Hypertrophic cardiomyopathy 4. Last evaluated: 2026-04-28. Review status: criteria provided, single submitter. Criteria: ACMG Guidelines, 2015. Collection method: clinical testing. Allele origin: germline. Inheritance: Sporadic. Affected: yes. Observed: 1 variant allele, 1 heterozygote.
Comment: Detected in unrelated individuals with cardiomyopathy (case 1: hypertrophic cardiomyopathy, mitral insufficiency, mitral valve prolapse; case 2: dilated cardiomyopathy). Rare variant present in non-Finnish European population (10x heterozygotes; gnomAD v4.1.1) (PM2). Present in ClinVar with Conflicting classifications of pathogenicity (VCV003376675.4) (PS4). Functional analysis confirmed the deleterious effect on splicing (SCV005399477.1). Aggregated score predicts a deleterious effect (score 0.792) based on SpliceAI (PP3). Reputable source recently reports variant as pathogenic (ClinVar Variation ID: 3376675) (PP5). The internal laboratory RNA/cDNA-based sequencing analysis confirmed the deleterious effect on splicing due to the insertion of 31 bp (from chr11:47343263 to chr11:47343293) into the coding sequence. The process of NMD is likely incomplete for these abnormal transcripts. The variant is classified as pathogenic.

3billion
Classification: Uncertain significance for Hypertrophic cardiomyopathy 4. Last evaluated: 2024-09-24. Review status: criteria provided, single submitter. Criteria: ACMG Guidelines, 2015. Collection method: clinical testing. Allele origin: germline. Affected: yes.
Comment: The variant is observed at an extremely low frequency in the gnomAD v4.0.0 dataset (total allele frequency: <0.001%). Predicted Consequence/Location: Intron variant In silico tools predict the variant to alter splicing and produce an abnormal transcript [SpliceAI: 0.96 (>=0.2, moderate evidence for spliceogenicity)]. Therefore, this variant is classified as VUS according to the recommendation of ACMG/AMP guideline.

Blueprint Genetics
Classification: Likely benign. Last evaluated: 2022-08-03. Review status: criteria provided, single submitter. Criteria: ACMG Guidelines, 2015. Collection method: clinical testing. Allele origin: germline.

Victorian Clinical Genetics Services, Murdoch Childrens Research Institute
Classification: Likely pathogenic for Hypertrophic cardiomyopathy 4. Last evaluated: 2021-05-06. Review status: criteria provided, single submitter. Criteria: ACMG Guidelines, 2015. Collection method: clinical testing. Allele origin: germline. Inheritance: Autosomal dominant inheritance. Affected: yes.
Comment: Based on the classification scheme VCGS_Germline_v1.3.4, this variant is classified as Likely pathogenic. Following criteria are met: 0102 - Loss of function is a known mechanism of disease in this gene and is associated with hypertrophic cardiomyopathy 4 (MIM#115197). (I) 0108 - This gene is associated with both recessive and dominant disease. Heterozygous variants are frequently reported in adult onset conditions, however recessive inheritance results in a more severe early onset phenotype (OMIM). (I) 0210 - Splice site variant proven to affect splicing of the transcript with a known effect on protein sequence. Tier 2 AGHA functional study has shown this splice variant leads to a frameshift (p.Ser408Argfs*16). (SP) 0251 - This variant is heterozygous. (I) 0302 - Variant is present in gnomAD (v2) <0.001 for a dominant condition (2 heterozygotes, 0 homozygotes). (SP) 0701 - Many other NMD predicted variants comparable to the one identified in this case have very strong previous evidence for pathogenicity (ClinVar). (SP) 0807 - This variant has no previous evidence of pathogenicity. (I) 0905 - No published segregation evidence has been identified for this variant. (I) 1007 - No published functional evidence has been identified for this variant. (I) 1208 - Inheritance information for this variant is not currently available in this individual. (I) Legend: (SP) - Supporting pathogenic, (I) - Information, (SB) - Supporting benign